The following is an entry in ClinVar:

NM_002470.4(MYH3):c.4941C>T (p.Val1647=)

Gene: MYH3 (myosin heavy chain 3; minus strand). Cytogenetic location: 17p13.1.
Variant type: single nucleotide variant.
Coding change: c.4941C>T on transcript NM_002470.4 (MANE Select); coding-DNA position 4941, C replaced by T.
Protein change: p.Val1647=; no amino-acid change (valine 1647 retained).
Molecular consequence: synonymous variant.
Genome position (GRCh38, 1-based): chr17:10,632,491, G>A on the plus strand (C>T on the coding strand, the complement: MYH3 is on the minus strand). VCF-style: chr17-10632491-G-A. GRCh37 (hg19) VCF-style: chr17-10535808-G-A.
Identifiers: ClinVar variation 885920 (VCV000885920.7), dbSNP rs143855213, ClinGen allele CA8392090.

ClinVar aggregate classification (germline): Benign/Likely benign. Review status: criteria provided, multiple submitters, no conflicts (2 of 4 stars). 3 submissions from 2 submitters: Benign (1); Likely benign (2). Last evaluated 2025-10-06.

Conditions:
Freeman-Sheldon syndrome (DA2A). Also called: CRANIOCARPOTARSAL DYSPLASIA; CRANIOCARPOTARSAL DYSTROPHY; WHISTLING FACE-WINDMILL VANE HAND SYNDROME; Arthrogryposis, distal, type 2A (Freeman-Sheldon). Identifiers: Orphanet 2053, MedGen C0265224, MONDO:0008675, OMIM 193700.
Distal arthrogryposis type 2B1 (DA2B1). Also called: Arthrogryposis multiplex congenita distal type II with craniofacial abnormalities. Identifiers: Orphanet 1147, MedGen C5193014, MONDO:0020820, OMIM 601680.

Allele frequency attached by ClinVar (database versions not stated): TOPMed 0.00003; gnomAD 0.00004 and 0.00009; gnomAD exomes 0.00007; ExAC 0.00011; 1000 Genomes Project 30x 0.00062; 1000 Genomes Project 0.00080.

Submissions (3):

Labcorp Genetics (formerly Invitae), Labcorp
Classification: Likely benign. Last evaluated: 2025-10-06. Review status: criteria provided, single submitter. Criteria: Invitae Variant Classification Sherloc (09022015). Collection method: clinical testing. Allele origin: germline.

Illumina Laboratory Services, Illumina
Classification: Likely benign for Distal arthrogryposis type 2B1. Last evaluated: 2018-01-13. Review status: criteria provided, single submitter. Criteria: ICSL Variant Classification Criteria 13 December 2019. Collection method: clinical testing. Allele origin: germline.
Comment: This variant was observed in the ICSL laboratory as part of a predisposition screen in an ostensibly healthy population. It had not been previously curated by ICSL or reported in the Human Gene Mutation Database (HGMD: prior to June 1st, 2018), and was therefore a candidate for classification through an automated scoring system. Utilizing variant allele frequency, disease prevalence and penetrance estimates, and inheritance mode, an automated score was calculated to assess if this variant is too frequent to cause the disease. Based on the score and internal cut-off values, a variant classified as likely benign is not then subjected to further curation. The score for this variant resulted in a classification of likely benign for this disease.

Illumina Laboratory Services, Illumina
Classification: Benign for Freeman-Sheldon syndrome. Last evaluated: 2018-01-13. Review status: criteria provided, single submitter. Criteria: ICSL Variant Classification Criteria 13 December 2019. Collection method: clinical testing. Allele origin: germline.
Comment: This variant was observed in the ICSL laboratory as part of a predisposition screen in an ostensibly healthy population. It had not been previously curated by ICSL or reported in the Human Gene Mutation Database (HGMD: prior to June 1st, 2018), and was therefore a candidate for classification through an automated scoring system. Utilizing variant allele frequency, disease prevalence and penetrance estimates, and inheritance mode, an automated score was calculated to assess if this variant is too frequent to cause the disease. Based on the score and internal cut-off values, a variant classified as benign is not then subjected to further curation. The score for this variant resulted in a classification of benign for this disease.